The following is an entry in ClinVar:

ClinVar aggregate classification (germline): Pathogenic. Review status: criteria provided, single submitter (1 of 4 stars). 2 submissions from 2 submitters: Pathogenic (1). 1 of the submissions does not count toward it. Last evaluated 2026-04-14.

Conditions:
Familial intrahepatic cholestasis. Identifiers: Orphanet 284385, MedGen CN296401, MONDO:0017290.
Progressive familial intrahepatic cholestasis type 3. Also called: MDR3 DEFICIENCY; Low Gamma-GT Familial Intrahepatic Cholestasis. Identifiers: Orphanet 79305, MedGen C1865643, MONDO:0011214, OMIM 602347.

Submissions (2):

Genomenon, Inc
Classification: Pathogenic for Familial intrahepatic cholestasis. Last evaluated: 2026-04-14. Review status: criteria provided, single submitter. Criteria: Genomenon Sequence Variant Interpretation Standards - Updated. Collection method: curation. Allele origin: germline. Affected: yes.
Comment: ABCB4 p.Tyr132LysfsTer29 (c.394_400del) is a frameshift variant that results in the production of a truncated protein which is predicted to undergo nonsense-mediated mRNA decay. This variant has been observed in at least one proband with an ABCB4-related disorder (PMID:9419367;15841457). It is absent or not present at a significant frequency in gnomAD. In conclusion, we classify ABCB4 p.Tyr132LysfsTer29 (c.394_400del) as a pathogenic variant.

OMIM
Classification: Pathogenic for CHOLESTASIS, PROGRESSIVE FAMILIAL INTRAHEPATIC 3. Last evaluated: 2017-10-18. Review status: no assertion criteria provided. Collection method: literature only. Allele origin: germline. Not counted in ClinVar's aggregate classification.

Literature cited by the submitters: PubMed 9419367 (cited by Genomenon, Inc); PubMed 15841457 (cited by Genomenon, Inc); PubMed 8666348 (cited by OMIM).

NM_000443.4(ABCB4):c.394_400del (p.Tyr132fs)

Gene: ABCB4 (ATP binding cassette subfamily B member 4; minus strand). Cytogenetic location: 7q21.12.
Variant type: Deletion.
Coding change: c.394_400del on transcript NM_000443.4 (MANE Select); coding-DNA positions 394 to 400, 7 bases deleted (TATATAC; older notation c.394_400delTATATAC).
Protein change: p.Tyr132fs; shifts the reading frame from tyrosine 132.
Molecular consequence: frameshift variant.
Genome position (GRCh38, 1-based): chr7:87,453,080-87,453,086, GTATATA deleted on the plus strand (TATATAC on the coding strand, the reverse complement: ABCB4 is on the minus strand); deleting any 7 consecutive bases within chr7:87,453,080-87,453,087 gives the same sequence; the c. name uses the placement nearest the transcript's 3' end. VCF-style (leftmost placement, unchanged base first): chr7-87453079-TGTATATA-T. GRCh37 (hg19) VCF-style: chr7-87082395-TGTATATA-T.
Other names: c.394_400del, p.Tyr132fs (NM_018849.3, NM_018850.3); short protein forms Y132fs.
Identifiers: ClinVar variation 13686 (VCV000013686.4), dbSNP rs387906526, ClinGen allele CA123354.